The following is an entry in ClinVar:

NM_014391.3(ANKRD1):c.346-43AT[14]

Gene: ANKRD1 (ankyrin repeat domain 1; minus strand). Cytogenetic location: 10q23.31.
Variant type: Microsatellite.
Coding change: c.346-43AT[14] on transcript NM_014391.3 (MANE Select); 14 copies in a row of the 2-base unit AT starting at c.346-43; the reference has 12 copies in a row; two copies, 4 bases duplicated.
Molecular consequence: intron variant.
Genome position (GRCh38, 1-based): chr10:90,918,992-90,918,995, ATAT duplicated on the plus strand (ATAT on the coding strand, the reverse complement: ANKRD1 is on the minus strand); duplicating any 4 consecutive bases within chr10:90,918,992-90,919,016 gives the same sequence; the position shown is the placement nearest the transcript's 3' end. VCF-style (leftmost placement, unchanged base first): chr10-90918991-A-AATAT. GRCh37 (hg19) VCF-style: chr10-92678748-A-AATAT.
Other names: c.346-23_346-20dupATAT (NM_014391.3).
Identifiers: ClinVar variation 1198262 (VCV001198262.15), dbSNP rs60406118, ClinGen allele CA5598767.

ClinVar aggregate classification (germline): Benign/Likely benign. Review status: criteria provided, multiple submitters, no conflicts (2 of 4 stars). 4 submissions from 4 submitters: Benign (1); Likely benign (2). 1 of the submissions does not count toward it. Last evaluated 2026-04-17.

Conditions:
ANKRD1-related dilated cardiomyopathy. Identifiers: MedGen CN119551.
ANKRD1-related disorder. Also called: ANKRD1-related condition.

Submissions (4):

Women's Health and Genetics/Laboratory Corporation of America, LabCorp
Classification: Benign. Last evaluated: 2026-04-17. Review status: criteria provided, single submitter. Criteria: LabCorp Variant Classification Summary - May 2015. Collection method: clinical testing. Allele origin: germline.
Comment: Variant summary: ANKRD1 c.346-23_346-20dupATAT alters nucleotides located at a position not widely known to affect splicing. Consensus agreement among computation tools predict no significant impact on normal splicing. However, these predictions have yet to be confirmed by functional studies. The variant allele was found at a frequency of 0.0036 in 268150 control chromosomes in the gnomAD database, including 17 homozygotes. The observed variant frequency exceeds the estimated maximal expected allele frequency for disease-causing variants in ANKRD1. To our knowledge, no occurrence of c.346-23_346-20dupATAT in individuals affected with ANKRD1-related conditions and no experimental evidence demonstrating its impact on protein function have been reported. ClinVar contains an entry for this variant (Variation ID: 1198262). Based on the evidence outlined above, the variant was classified as benign.

Labcorp Genetics (formerly Invitae), Labcorp
Classification: Likely benign for ANKRD1-related dilated cardiomyopathy. Last evaluated: 2026-02-01. Review status: criteria provided, single submitter. Criteria: Invitae Variant Classification Sherloc (09022015). Collection method: clinical testing. Allele origin: germline.

GeneDx
Classification: Likely benign. Last evaluated: 2019-09-02. Review status: criteria provided, single submitter. Criteria: GeneDx Variant Classification Process June 2021. Collection method: clinical testing. Allele origin: germline. Affected: yes.

PreventionGenetics, part of Exact Sciences
Classification: Likely benign for ANKRD1-related condition. Last evaluated: 2021-11-18. Review status: no assertion criteria provided. Collection method: clinical testing. Allele origin: germline. Not counted in ClinVar's aggregate classification.
Comment: This variant is classified as likely benign based on ACMG/AMP sequence variant interpretation guidelines (Richards et al. 2015 PMID: 25741868, with internal and published modifications).